The following is an entry in ClinVar:

NM_014795.4(ZEB2):c.1875C>T (p.Ala625=)

Gene: ZEB2 (zinc finger E-box binding homeobox 2; minus strand). Cytogenetic location: 2q22.3.
Variant type: single nucleotide variant.
Coding change: c.1875C>T on transcript NM_014795.4 (MANE Select); coding-DNA position 1875, C replaced by T.
Protein change: p.Ala625=; no amino-acid change (alanine 625 retained).
Molecular consequence: synonymous variant.
Genome position (GRCh38, 1-based): chr2:144,399,312, G>A on the plus strand (C>T on the coding strand, the complement: ZEB2 is on the minus strand). VCF-style: chr2-144399312-G-A. GRCh37 (hg19) VCF-style: chr2-145156879-G-A.
Other names: c.1803C>T, p.Ala601= (NM_001171653.2).
Identifiers: ClinVar variation 1153341 (VCV001153341.37), dbSNP rs752759296, ClinGen allele CA429445337.

ClinVar aggregate classification (germline): Conflicting classifications of pathogenicity. Review status: criteria provided, conflicting classifications (1 of 4 stars). 3 submissions from 3 submitters: Uncertain significance (1); Likely benign (2). Last evaluated 2025-07-06.

Conditions:
Mowat-Wilson syndrome (MOWS). Also called: Classic Mowat-Wilson Syndrome. Identifiers: Orphanet 2152, MedGen C1856113, MONDO:0009341, OMIM 235730.

gnomAD v4.1: 5 of 1,613,980 alleles (0.00031%); highest among the groups gnomAD compares: Admixed American, 0.0017%; no homozygotes.

Submissions (3):

Labcorp Genetics (formerly Invitae), Labcorp
Classification: Likely benign for Mowat-Wilson syndrome. Last evaluated: 2025-07-06. Review status: criteria provided, single submitter. Criteria: Invitae Variant Classification Sherloc (09022015). Collection method: clinical testing. Allele origin: germline.

CeGaT Center for Human Genetics Tuebingen
Classification: Likely benign. Last evaluated: 2023-10-01. Review status: criteria provided, single submitter. Criteria: CeGaT Center For Human Genetics Tuebingen Variant Classification Criteria Version 2. Collection method: clinical testing. Allele origin: germline. Affected: yes. Observed: 2 variant alleles.
Comment: ZEB2: BP4, BP7

Genetic Services Laboratory, University of Chicago
Classification: Uncertain significance. Last evaluated: 2018-04-26. Review status: criteria provided, single submitter. Criteria: ACMG Guidelines, 2015. Collection method: clinical testing. Allele origin: germline. Affected: no.